The following is an entry in ClinVar:

NM_133510.4(RAD51B):c.452+4T>C

Gene: RAD51B (RAD51 paralog B; plus strand). Cytogenetic location: 14q24.1.
Variant type: single nucleotide variant.
Coding change: c.452+4T>C on transcript NM_133510.4 (MANE Select); 4 bases into the intron after coding-DNA position 452, T replaced by C.
Molecular consequence: intron variant.
Genome position (GRCh38, 1-based): chr14:67,865,143, T>C. VCF-style: chr14-67865143-T-C. GRCh37 (hg19) VCF-style: chr14-68331860-T-C.
Other names: c.452+4T>C (NM_001321818.2, NM_001321809.2, NM_001321821.2 and 6 more transcripts); c.95+4T>C (NM_001321817.2); c.338+4T>C (NM_001321815.1).
Identifiers: ClinVar variation 3942248 (VCV003942248.1).

ClinVar aggregate classification (germline): Uncertain significance (1 of 4 stars; one submission).

Submission:

Ambry Genetics
Classification: Uncertain significance. Last evaluated: 2025-04-22. Review status: criteria provided, single submitter. Criteria: Ambry Variant Classification Scheme 2023. Collection method: clinical testing. Allele origin: germline.
Comment: The c.452+4T>C intronic variant results from a T to C substitution 4 nucleotides after coding exon 4 in the RAD51B gene. This nucleotide position is poorly conserved in available vertebrate species. In silico splice site analysis predicts that this alteration will not have any significant effect on splicing. The evidence for this gene-disease relationship is limited; therefore, the clinical significance of this alteration is unclear.